The following is an entry in ClinVar:

NM_004456.5(EZH2):c.1288G>C (p.Glu430Gln)

Gene: EZH2 (enhancer of zeste 2 polycomb repressive complex 2 subunit; minus strand). Cytogenetic location: 7q36.1.
Variant type: single nucleotide variant.
Coding change: c.1288G>C on transcript NM_004456.5 (MANE Select); coding-DNA position 1288, G replaced by C.
Protein change: p.Glu430Gln; replaces glutamic acid 430 with glutamine.
Molecular consequence: missense variant.
Genome position (GRCh38, 1-based): chr7:148,817,344, C>G on the plus strand (G>C on the coding strand, the complement: EZH2 is on the minus strand). VCF-style: chr7-148817344-C-G. GRCh37 (hg19) VCF-style: chr7-148514436-C-G.
Other names: c.1273G>C, p.Glu425Gln (NM_001203247.2); c.1246G>C, p.Glu416Gln (NM_001203248.2, NM_001203249.2); c.1156G>C, p.Glu386Gln (NM_152998.3); short protein forms E386Q, E416Q, E425Q, E430Q.
Identifiers: ClinVar variation 1800585 (VCV001800585.1), dbSNP rs2536644953, ClinGen allele CA369715374.

ClinVar aggregate classification (germline): Uncertain significance (1 of 4 stars; one submission).

Submission:

GeneDx
Classification: Uncertain significance. Last evaluated: 2022-05-20. Review status: criteria provided, single submitter. Criteria: GeneDx Variant Classification Process June 2021. Collection method: clinical testing. Allele origin: germline. Affected: yes.
Comment: Not observed at significant frequency in large population cohorts (gnomAD); In silico analysis supports that this missense variant does not alter protein structure/function; Has not been previously published as pathogenic or benign to our knowledge